The following is an entry in ClinVar:

ClinVar aggregate classification (germline): Benign/Likely benign. Review status: criteria provided, multiple submitters, no conflicts (2 of 4 stars). 2 submissions from 2 submitters: Benign (1); Likely benign (1). Last evaluated 2025-03-01.

Allele frequency attached by ClinVar (database versions not stated): gnomAD 0.00054 and 0.00059; gnomAD exomes 0.00068 and 0.00139; TOPMed 0.00068; 1000 Genomes Project 30x 0.00078; ExAC 0.00081; 1000 Genomes Project 0.00100; ESP Exome Variant Server 0.00100.

Submissions (2):

CeGaT Center for Human Genetics Tuebingen
Classification: Likely benign. Last evaluated: 2025-03-01. Review status: criteria provided, single submitter. Criteria: CeGaT Center For Human Genetics Tuebingen Variant Classification Criteria Version 2. Collection method: clinical testing. Allele origin: germline. Affected: yes. Observed: 2 variant alleles.
Comment: GPR35: BP4, BP7

Labcorp Genetics (formerly Invitae), Labcorp
Classification: Benign. Last evaluated: 2019-12-31. Review status: criteria provided, single submitter. Criteria: Invitae Variant Classification Sherloc (09022015). Collection method: clinical testing. Allele origin: germline.

NM_005301.5(GPR35):c.678C>T (p.Phe226=)

Gene: GPR35 (G protein-coupled receptor 35; plus strand). Cytogenetic location: 2q37.3.
Variant type: single nucleotide variant.
Coding change: c.678C>T on transcript NM_005301.5 (MANE Select); coding-DNA position 678, C replaced by T.
Protein change: p.Phe226=; no amino-acid change (phenylalanine 226 retained).
Molecular consequence: synonymous variant.
Genome position (GRCh38, 1-based): chr2:240,630,630, C>T. VCF-style: chr2-240630630-C-T. GRCh37 (hg19) VCF-style: chr2-241570047-C-T.
Other names: c.771C>T, p.Phe257= (NM_001195381.3, NM_001195382.3, NM_001394730.1).
Identifiers: ClinVar variation 708665 (VCV000708665.28), dbSNP rs76041925, ClinGen allele CA2206348.
Genomic context (GRCh38, chr2:240,630,630, plus strand): 5'-GGGGCAGGCAGAGGCCACCCGCAAGGCTGCCCGCATGGTCTGGGCCAACCTCCTGGTGTT[C>T]GTGGTCTGCTTCCTGCCCCTGCACGTGGGGCTGACAGTGCGCCTCGCAGTGGGCTGGAAC-3'
Protein context (NP_005292.2, residues 216-236): ARMVWANLLV[Phe226=]VVCFLPLHVG